The following is an entry in ClinVar:

ClinVar aggregate classification (germline): Uncertain significance (1 of 4 stars; one submission).

Conditions:
Charcot-Marie-Tooth disease axonal type 2O. Also called: Charcot-Marie-Tooth disease, axonal, type 20; CHARCOT-MARIE-TOOTH NEUROPATHY, AXONAL, TYPE 2O; CHARCOT-MARIE-TOOTH DISEASE, AXONAL, AUTOSOMAL DOMINANT, TYPE 2O; Charcot-Marie-Tooth Neuropathy Type 2O. Identifiers: Orphanet 284232, MedGen C3280220, MONDO:0013644, OMIM 614228.

Submission:

Labcorp Genetics (formerly Invitae), Labcorp
Classification: Uncertain significance for Charcot-Marie-Tooth disease axonal type 2O. Last evaluated: 2025-01-13. Review status: criteria provided, single submitter. Criteria: Invitae Variant Classification Sherloc (09022015). Collection method: clinical testing. Allele origin: germline.
Comment: This sequence change replaces glycine, which is neutral and non-polar, with arginine, which is basic and polar, at codon 646 of the DYNC1H1 protein (p.Gly646Arg). This variant is not present in population databases (gnomAD no frequency). This variant has not been reported in the literature in individuals affected with DYNC1H1-related conditions. Invitae Evidence Modeling of protein sequence and biophysical properties (such as structural, functional, and spatial information, amino acid conservation, physicochemical variation, residue mobility, and thermodynamic stability) indicates that this missense variant is expected to disrupt DYNC1H1 protein function with a positive predictive value of 95%. In summary, the available evidence is currently insufficient to determine the role of this variant in disease. Therefore, it has been classified as a Variant of Uncertain Significance.

NM_001376.5(DYNC1H1):c.1936G>A (p.Gly646Arg)

Gene: DYNC1H1 (dynein cytoplasmic 1 heavy chain 1; plus strand). Cytogenetic location: 14q32.31.
Variant type: single nucleotide variant.
Coding change: c.1936G>A on transcript NM_001376.5 (MANE Select); coding-DNA position 1936, G replaced by A.
Protein change: p.Gly646Arg; replaces glycine 646 with arginine.
Molecular consequence: missense variant.
Genome position (GRCh38, 1-based): chr14:101,986,161, G>A. VCF-style: chr14-101986161-G-A. GRCh37 (hg19) VCF-style: chr14-102452498-G-A.
Other names: short protein forms G646R.
Identifiers: ClinVar variation 3636120 (VCV003636120.2).